The following is an entry in ClinVar:

NM_006516.4(SLC2A1):c.458G>A (p.Arg153His)

Gene: SLC2A1 (solute carrier family 2 member 1; minus strand). Cytogenetic location: 1p34.2.
Variant type: single nucleotide variant.
Coding change: c.458G>A on transcript NM_006516.4 (MANE Select); coding-DNA position 458, G replaced by A.
Protein change: p.Arg153His; replaces arginine 153 with histidine.
Molecular consequence: missense variant.
Genome position (GRCh38, 1-based): chr1:42,930,684, C>T on the plus strand (G>A on the coding strand, the complement: SLC2A1 is on the minus strand). VCF-style: chr1-42930684-C-T. GRCh37 (hg19) VCF-style: chr1-43396355-C-T.
Other names: c.458G>A (NM_006516.2); short protein forms R153H.
Identifiers: ClinVar variation 197281 (VCV000197281.56), dbSNP rs794727642, ClinGen allele CA019189.
Genomic context (GRCh38, chr1:42,930,684, plus strand): 5'-ACCTGGGCGATGAGGATGCCGACGACGATGCCCAGCTGGTGCAGGGTGCCCAGGGCCCCA[C>T]GAAGGGCTGTGGGTGACACTTCACCCACATACATGGGCACGAAGCCTGTGGTCAGGCCGC-3'
Protein context (NP_006507.2, residues 143-163): YVGEVSPTAL[Arg153His]GALGTLHQLG

ClinVar aggregate classification (germline): Conflicting classifications of pathogenicity. Review status: criteria provided, conflicting classifications (1 of 4 stars). 7 submissions from 7 submitters: Pathogenic (4); Likely pathogenic (1); Uncertain significance (1). 1 of the submissions does not count toward it. Last evaluated 2025-05-01.

Conditions:
SLC2A1-related disorder. Also called: SLC2A1-related condition; SLC2A1-related disorders.
Encephalopathy due to GLUT1 deficiency. Also called: De Vivo disease; GLUT1 deficiency syndrome 1; Glucose transporter protein syndrome; GLUT1 deficiency syndrome 1, infantile onset, severe; Classic Glucose Transporter Type 1 Deficiency Syndrome; GLUCOSE TRANSPORT DEFECT, BLOOD-BRAIN BARRIER. Identifiers: Orphanet 71277, MedGen C4551966, MONDO:0011724, OMIM 606777.
Epilepsy, idiopathic generalized, susceptibility to, 12 (EIG12). Identifiers: MedGen C3553859, MONDO:0013919, OMIM 614847.
GLUT1 deficiency syndrome 1, autosomal recessive. Identifiers: MedGen C3149117.

Submissions (7):

GeneDx
Classification: Pathogenic. Last evaluated: 2025-05-01. Review status: criteria provided, single submitter. Criteria: GeneDx Variant Classification Process June 2021. Collection method: clinical testing. Allele origin: germline. Affected: yes.
Comment: In silico analysis supports that this missense variant has a deleterious effect on protein structure/function; Not observed in large population cohorts (gnomAD); This variant is associated with the following publications: (PMID: 24847886, 26267703, 20129935, 26193382, 31692161, 31401500)

Labcorp Genetics (formerly Invitae), Labcorp
Classification: Pathogenic for GLUT1 deficiency syndrome 1, autosomal recessive. Last evaluated: 2025-02-03. Review status: criteria provided, single submitter. Criteria: Invitae Variant Classification Sherloc (09022015). Collection method: clinical testing. Allele origin: germline.
Comment: This sequence change replaces arginine, which is basic and polar, with histidine, which is basic and polar, at codon 153 of the SLC2A1 protein (p.Arg153His). This variant is not present in population databases (gnomAD no frequency). This missense change has been observed in individual(s) with autosomal dominant glucose transporter type 1 deficiency syndrome (PMID: 20129935, 26193382, 26267703). ClinVar contains an entry for this variant (Variation ID: 197281). Invitae Evidence Modeling incorporating data from in vitro experimental studies (internal data) indicates that this missense variant is expected to disrupt SLC2A1 function with a positive predictive value of 95%. This variant disrupts the p.Arg153 amino acid residue in SLC2A1. Other variant(s) that disrupt this residue have been observed in individuals with SLC2A1-related conditions (PMID: 12325075, 17718830), which suggests that this may be a clinically significant amino acid residue. For these reasons, this variant has been classified as Pathogenic.

Department of Neurology, Zibo Changguo Hospital
Classification: Pathogenic for Encephalopathy due to GLUT1 deficiency; Epilepsy, idiopathic generalized, susceptibility to, 12. Last evaluated: 2025-01-10. Review status: criteria provided, single submitter. Criteria: ACMG Guidelines, 2015. Collection method: clinical testing. Allele origin: de novo. Inheritance: Autosomal dominant inheritance. Affected: yes.
Comment: PM5_Strong, PM1, PM6, PP3_Moderate, PM2_Supporting

CeGaT Center for Human Genetics Tuebingen
Classification: Pathogenic. Last evaluated: 2024-01-01. Review status: criteria provided, single submitter. Criteria: CeGaT Center For Human Genetics Tuebingen Variant Classification Criteria Version 2. Collection method: clinical testing. Allele origin: germline. Affected: yes. Observed: 2 variant alleles.
Comment: SLC2A1: PM1, PM2, PM5, PS4:Moderate, PP3, PS2:Supporting

Blueprint Genetics
Classification: Likely pathogenic for SLC2A1-related disorders. Last evaluated: 2020-02-28. Review status: criteria provided, single submitter. Criteria: ACMG Guidelines, 2015. Collection method: clinical testing. Allele origin: germline. Affected: yes. Observed: 1 variant allele.

Eurofins Ntd Llc (ga)
Classification: Uncertain significance. Last evaluated: 2014-06-03. Review status: criteria provided, single submitter. Criteria: EGL Classification Definitions 2015. Collection method: clinical testing. Allele origin: germline. Observed: 1 variant allele, 1 heterozygote.

Solve-RD Consortium
Classification: Likely pathogenic for Encephalopathy due to GLUT1 deficiency. Last evaluated: 2022-06-01. Review status: no assertion criteria provided. Collection method: provider interpretation. Allele origin: inherited. Affected: yes. Not counted in ClinVar's aggregate classification.
Comment: Variant confirmed as disease-causing by referring clinical team

Variant identified during reanalysis of unsolved cases by the Solve-RD project. The Solve-RD project has received funding from the European Union’s Horizon 2020 research and innovation programme under grant agreement No 779257.

Literature cited by the submitters: PubMed 20129935 (cited by Labcorp Genetics (formerly Invitae), Labcorp and Eurofins Ntd Llc (ga)); PubMed 26193382 (cited by Labcorp Genetics (formerly Invitae), Labcorp); PubMed 26267703 (cited by Labcorp Genetics (formerly Invitae), Labcorp); PubMed 12325075 (cited by Labcorp Genetics (formerly Invitae), Labcorp); PubMed 17718830 (cited by Labcorp Genetics (formerly Invitae), Labcorp); PubMed 39825153 (cited by Solve-RD Consortium).